The following is an entry in ClinVar:

NM_001354604.2(MITF):c.1199G>T (p.Arg400Leu)

Gene: MITF (melanocyte inducing transcription factor; plus strand). Cytogenetic location: 3p13.
Variant type: single nucleotide variant.
Coding change: c.1199G>T on transcript NM_001354604.2 (MANE Select); coding-DNA position 1199, G replaced by T.
Protein change: p.Arg400Leu; replaces arginine 400 with leucine.
Molecular consequence: missense variant.
Genome position (GRCh38, 1-based): chr3:69,964,866, G>T. VCF-style: chr3-69964866-G-T. GRCh37 (hg19) VCF-style: chr3-70014017-G-T.
Other names: c.878G>T, p.Arg293Leu (NM_000248.4); c.1025G>T, p.Arg342Leu (NM_001184967.2, NM_001354608.2); c.1196G>T, p.Arg399Leu (NM_001354605.2); c.1178G>T, p.Arg393Leu (NM_001354606.2, NM_006722.3); c.1130G>T, p.Arg377Leu (NM_001354607.2); c.860G>T, p.Arg287Leu (NM_198158.3); c.1181G>T, p.Arg394Leu (NM_198159.3); c.1133G>T, p.Arg378Leu (NM_198177.3); and 1 more; short protein forms R231L, R287L, R293L, R342L, R377L, R378L, R393L, R394L.
Identifiers: ClinVar variation 3757344 (VCV003757344.2).

ClinVar aggregate classification (germline): Uncertain significance (1 of 4 stars; one submission).

Conditions:
Tietz syndrome (TADS). Also called: HYPOPIGMENTATION/DEAFNESS OF TIETZ; TIETZ ALBINISM-DEAFNESS SYNDROME; ALBINISM-DEAFNESS OF TIETZ. Identifiers: Orphanet 42665, MedGen C0391816, MONDO:0007077, OMIM 103500.
Waardenburg syndrome type 2A (WS2A). Also called: WAARDENBURG SYNDROME WITHOUT DYSTOPIA CANTHORUM. Identifiers: Orphanet 3440, MedGen C1860339, MONDO:0008671, OMIM 193510.
Melanoma, cutaneous malignant, susceptibility to, 8. Also called: MELANOMA AND RENAL CELL CARCINOMA, SUSCEPTIBILITY TO; Cutaneous malignant melanoma 8. Identifiers: Orphanet 293822, MedGen C3152204, MONDO:0013759, OMIM 614456.

gnomAD v4.1: 1 of 1,613,968 alleles (0.000062%); highest among the groups gnomAD compares: Non-Finnish European, 0.000085%; no homozygotes.

Submission:

Labcorp Genetics (formerly Invitae), Labcorp
Classification: Uncertain significance for Melanoma, cutaneous malignant, susceptibility to, 8; Waardenburg syndrome type 2A; Tietz syndrome. Last evaluated: 2024-07-22. Review status: criteria provided, single submitter. Criteria: Invitae Variant Classification Sherloc (09022015). Collection method: clinical testing. Allele origin: germline.
Comment: This sequence change replaces arginine, which is basic and polar, with leucine, which is neutral and non-polar, at codon 293 of the MITF protein (p.Arg293Leu). This variant is not present in population databases (gnomAD no frequency). This variant has not been reported in the literature in individuals affected with MITF-related conditions. Advanced modeling of protein sequence and biophysical properties (such as structural, functional, and spatial information, amino acid conservation, physicochemical variation, residue mobility, and thermodynamic stability) performed at Invitae indicates that this missense variant is expected to disrupt MITF protein function with a positive predictive value of 80%. Algorithms developed to predict the effect of sequence changes on RNA splicing suggest that this variant may disrupt the consensus splice site. In summary, the available evidence is currently insufficient to determine the role of this variant in disease. Therefore, it has been classified as a Variant of Uncertain Significance.